The following is an entry in ClinVar:

ClinVar aggregate classification (germline): Uncertain significance (1 of 4 stars; one submission).

Conditions:
Myofibrillar myopathy 4. Also called: Zaspopathy (type). Identifiers: Orphanet 98912, MedGen C4721886, MONDO:0012277, OMIM 609452.

gnomAD v4.1: 3 of 1,614,228 alleles (0.00019%); highest among the groups gnomAD compares: South Asian, 0.0011%; no homozygotes.

Submission:

Labcorp Genetics (formerly Invitae), Labcorp
Classification: Uncertain significance for Myofibrillar myopathy 4. Last evaluated: 2024-04-09. Review status: criteria provided, single submitter. Criteria: Invitae Variant Classification Sherloc (09022015). Collection method: clinical testing. Allele origin: germline.
Comment: This sequence change replaces threonine, which is neutral and polar, with methionine, which is neutral and non-polar, at codon 156 of the LDB3 protein (p.Thr156Met). This variant is present in population databases (no rsID available, gnomAD 0.003%). This variant has not been reported in the literature in individuals affected with LDB3-related conditions. ClinVar contains an entry for this variant (Variation ID: 464276). An algorithm developed to predict the effect of missense changes on protein structure and function (PolyPhen-2) suggests that this variant is likely to be disruptive. In summary, the available evidence is currently insufficient to determine the role of this variant in disease. Therefore, it has been classified as a Variant of Uncertain Significance.

NM_001368067.1(LDB3):c.467C>T (p.Thr156Met)

Genes: LDB3 (LIM domain binding 3; plus strand), LOC110121486 (VISTA enhancer hs2143; plus strand). Cytogenetic location: 10q23.2.
Variant type: single nucleotide variant.
Coding change: c.467C>T on transcript NM_001368067.1 (MANE Plus Clinical); coding-DNA position 467, C replaced by T.
Protein change: p.Thr156Met; replaces threonine 156 with methionine.
Molecular consequence: missense variant. On other transcripts: intron variant (5).
Genome position (GRCh38, 1-based): chr10:86,687,191, C>T. VCF-style: chr10-86687191-C-T. GRCh37 (hg19) VCF-style: chr10-88446948-C-T.
Other names: c.467C>T, p.Thr156Met (NM_001080114.2, NM_001080116.1, NM_001368066.1 and 1 more transcripts); c.812C>T, p.Thr271Met (NM_001171610.2, NM_001171611.2); c.690-4705C>T (NM_001368064.1, NM_001368063.1, NM_007078.3 and 2 more transcripts); short protein forms T156M, T271M.
Identifiers: ClinVar variation 464276 (VCV000464276.11), dbSNP rs778658354, ClinGen allele CA377441731.